The following is an entry in ClinVar:

NM_000492.4(CFTR):c.3233T>C (p.Phe1078Ser)

Genes: CFTR (CF transmembrane conductance regulator; plus strand), CFTR-AS2 (CFTR antisense RNA 2; minus strand), LOC111674472 (DNase I hypersensitive sites in introns 16 and 17a of CFTR; plus strand). Cytogenetic location: 7q31.2.
Variant type: single nucleotide variant.
Coding change: c.3233T>C on transcript NM_000492.4 (MANE Select); coding-DNA position 3233, T replaced by C.
Protein change: p.Phe1078Ser; replaces phenylalanine 1078 with serine.
Molecular consequence: missense variant.
Genome position (GRCh38, 1-based): chr7:117,611,674, T>C. VCF-style: chr7-117611674-T-C. GRCh37 (hg19) VCF-style: chr7-117251728-T-C.
Other names: short protein forms F1078S.
Identifiers: ClinVar variation 4818531 (VCV004818531.1).
Genomic context (GRCh38, chr7:117,611,674, plus strand): 5'-GCTTAAAAGGACTATGGACACTTCGTGCCTTCGGACGGCAGCCTTACTTTGAAACTCTGT[T>C]CCACAAAGCTCTGAATTTACATACTGCCAACTGGTTCTTGTACCTGTCAACACTGCGCTG-3'
Protein context (NP_000483.3, residues 1068-1088): FGRQPYFETL[Phe1078Ser]HKALNLHTAN

ClinVar aggregate classification (germline): Likely pathogenic (1 of 4 stars; one submission).

Conditions:
CFTR-related disorder (CFTR-RD). Also called: CFTR-related disorders; CFTR-related condition. Identifiers: MedGen C5924204, MONDO:7770004.

Submission:

Natera, Inc.
Classification: Likely pathogenic for CFTR-related disorders. Last evaluated: 2025-10-21. Review status: criteria provided, single submitter. Criteria: Natera Variant Classification Schema (03/2026). Collection method: clinical testing. Allele origin: germline.
Comment: The c.3233T>C variant in CFTR is a missense variant predicted to cause substitution of phenylalanine to serine at amino acid 1078. This variant is rare in the general population with a frequency below the threshold expected for the associated phenotype(s). This variant has been observed in one or more individuals affected with the associated recessive disease, as either homozygous or compound heterozygous with a second variant (PMID: 39151434). This variant has been identified in one or more affected individual with a phenotype highly consistent with the associated gene (PMID: 39151434). Computational prediction algorithms indicate this variant is likely to affect gene or protein function. Given the available evidence, this variant is classified as Likely Pathogenic.

Literature cited by the submitters: PubMed 39151434.